The following is an entry in ClinVar:

ClinVar aggregate classification (germline): Uncertain significance. Review status: criteria provided, multiple submitters, no conflicts (2 of 4 stars). 3 submissions from 3 submitters: Uncertain significance (3). Last evaluated 2025-08-05.

Conditions:
Developmental delay, hypotonia, musculoskeletal defects, and behavioral abnormalities. Identifiers: MedGen C5562012, MONDO:0859202, OMIM 619595.
Floating-Harbor syndrome (FLHS). Also called: SRCAP-Related Floating-Harbor Syndrome; Short stature with delayed bone age, expressive language delay, a triangular face with a prominent nose and deep-set eyes; Pelletier-Leisti syndrome. Identifiers: Orphanet 2044, MedGen C0729582, MONDO:0007621, OMIM 136140.
Inborn genetic diseases. Identifiers: MedGen C0950123, MeSH D030342.

Allele frequency attached by ClinVar (database versions not stated): gnomAD exomes 0.00001; ExAC 0.00002; gnomAD 0.00006.
gnomAD v4.1: 22 of 1,613,800 alleles (0.0014%); highest among the groups gnomAD compares: African/African-American, 0.017%; no homozygotes.

Submissions (3):

Ambry Genetics
Classification: Uncertain significance for Inborn genetic diseases. Last evaluated: 2025-08-05. Review status: criteria provided, single submitter. Criteria: Ambry Variant Classification Scheme 2023. Collection method: clinical testing. Allele origin: germline.

Fulgent Genetics
Classification: Uncertain significance for Floating-Harbor syndrome; Developmental delay, hypotonia, musculoskeletal defects, and behavioral abnormalities. Last evaluated: 2024-02-19. Review status: criteria provided, single submitter. Criteria: ACMG Guidelines, 2015. Collection method: clinical testing. Allele origin: germline.

Labcorp Genetics (formerly Invitae), Labcorp
Classification: Uncertain significance. Last evaluated: 2022-09-10. Review status: criteria provided, single submitter. Criteria: Invitae Variant Classification Sherloc (09022015). Collection method: clinical testing. Allele origin: germline.
Comment: In summary, the available evidence is currently insufficient to determine the role of this variant in disease. Therefore, it has been classified as a Variant of Uncertain Significance. Advanced modeling of protein sequence and biophysical properties (such as structural, functional, and spatial information, amino acid conservation, physicochemical variation, residue mobility, and thermodynamic stability) performed at Invitae indicates that this missense variant is not expected to disrupt SRCAP protein function. This variant has not been reported in the literature in individuals affected with SRCAP-related conditions. This variant is present in population databases (rs780477358, gnomAD 0.02%). This sequence change replaces arginine, which is basic and polar, with histidine, which is basic and polar, at codon 1345 of the SRCAP protein (p.Arg1345His).

NM_006662.3(SRCAP):c.4034G>A (p.Arg1345His)

Gene: SRCAP (Snf2 related CREBBP activator protein; plus strand). Cytogenetic location: 16p11.2.
Variant type: single nucleotide variant.
Coding change: c.4034G>A on transcript NM_006662.3 (MANE Select); coding-DNA position 4034, G replaced by A.
Protein change: p.Arg1345His; replaces arginine 1345 with histidine.
Molecular consequence: missense variant.
Genome position (GRCh38, 1-based): chr16:30,723,104, G>A. VCF-style: chr16-30723104-G-A. GRCh37 (hg19) VCF-style: chr16-30734425-G-A.
Other names: c.4034G>A (NM_006662.2); short protein forms R1345H.
Identifiers: ClinVar variation 1907699 (VCV001907699.7), dbSNP rs780477358, ClinGen allele CA8011647.
Genomic context (GRCh38, chr16:30,723,104, plus strand): 5'-CTCCATTGGCCCCAGCACCCCGGCCTCCGAGCTCTGGGCTTCCAGCTGTGTTGAATCCAC[G>A]CCCCACGTTAACCCCTGGCCGGCTACCCACACCTACTCTGGGTACTGCTCGAGCCCCCAT-3'
Protein context (NP_006653.2, residues 1335-1355): SSGLPAVLNP[Arg1345His]PTLTPGRLPT